The following is an entry in ClinVar:

NM_052844.4(DYNC2I2):c.546-1_547del

Gene: DYNC2I2 (dynein 2 intermediate chain 2; minus strand). Cytogenetic location: 9q34.11.
Variant type: Deletion.
Coding change: c.546-1_547del on transcript NM_052844.4 (MANE Select); the canonical splice acceptor site of the intron before coding-DNA position 546 through coding-DNA position 547, 3 bases deleted (GGC; older notation c.546-1_547delGGC).
Molecular consequence: splice acceptor variant.
Genome position (GRCh38, 1-based): chr9:128,636,437-128,636,439, GCC deleted on the plus strand (GGC on the coding strand, the reverse complement: DYNC2I2 is on the minus strand). VCF-style (leftmost placement, unchanged base first): chr9-128636436-AGCC-A. GRCh37 (hg19) VCF-style: chr9-131398715-AGCC-A.
Identifiers: ClinVar variation 2739092 (VCV002739092.3), dbSNP rs780283055, ClinGen allele CA5266568.
Genomic context (GRCh38, chr9:128,636,436, plus strand): 5'-CGCCGGTCCAGGTTCCAGGCACACACGAAGGACTTAAGCGTGCTCCAGTCCCCATGGTCC[AGCC>A]TGTGCAGGGACAGGCTTGAGCCGGCTGTGCCCCTGGGTGGGGCTCCTATCACCCACCCCA-3'

ClinVar aggregate classification (germline): Likely pathogenic (1 of 4 stars; one submission).

Conditions:
Short-rib thoracic dysplasia 11 with or without polydactyly (SRTD11). Also called: SHORT-RIB THORACIC DYSPLASIA 11 WITHOUT POLYDACTYLY. Identifiers: Orphanet 474, Orphanet 93271, MedGen C3810200, MONDO:0014287, OMIM 615633.

Allele frequency attached by ClinVar (database versions not stated): gnomAD 0.00001; gnomAD exomes 0.00001; ExAC 0.00004.

Submission:

Labcorp Genetics (formerly Invitae), Labcorp
Classification: Likely pathogenic for Short-rib thoracic dysplasia 11 with or without polydactyly. Last evaluated: 2023-01-31. Review status: criteria provided, single submitter. Criteria: Invitae Variant Classification Sherloc (09022015). Collection method: clinical testing. Allele origin: germline.
Comment: This variant is present in population databases (rs780283055, gnomAD 0.02%). In summary, the currently available evidence indicates that the variant is pathogenic, but additional data are needed to prove that conclusively. Therefore, this variant has been classified as Likely Pathogenic. Algorithms developed to predict the effect of sequence changes on RNA splicing suggest that this variant may disrupt the consensus splice site. This variant has not been reported in the literature in individuals affected with WDR34-related conditions. This variant results in the deletion of part of exon 4 (c.546-1_547del) of the WDR34 gene. It is expected to disrupt RNA splicing. Variants that disrupt the donor or acceptor splice site typically lead to a loss of protein function (PMID: 16199547), and loss-of-function variants in WDR34 are known to be pathogenic (PMID: 24183449, 24183451, 28379358).

Literature cited by the submitters: PubMed 16199547; PubMed 24183449; PubMed 24183451; PubMed 28379358.